The following is an entry in ClinVar:

ClinVar aggregate classification (germline): Benign/Likely benign. Review status: criteria provided, multiple submitters, no conflicts (2 of 4 stars). 6 submissions from 6 submitters: Benign (1); Likely benign (5). Last evaluated 2026-01-21.

Conditions:
Arterial tortuosity syndrome (ATORS). Identifiers: Orphanet 3342, MedGen C1859726, MONDO:0008818, OMIM 208050.

Allele frequency attached by ClinVar (database versions not stated): gnomAD exomes 0.00020 and 0.00043; TOPMed 0.00030; gnomAD 0.00032 and 0.00033; ExAC 0.00035; ESP Exome Variant Server 0.00038.
gnomAD v4.1: 371 of 1,613,766 alleles (0.023%); highest among the groups gnomAD compares: Admixed American, 0.037%; no homozygotes.

Submissions (6):

Labcorp Genetics (formerly Invitae), Labcorp
Classification: Likely benign for Arterial tortuosity syndrome. Last evaluated: 2026-01-21. Review status: criteria provided, single submitter. Criteria: Invitae Variant Classification Sherloc (09022015). Collection method: clinical testing. Allele origin: germline.

Mayo Clinic Laboratories, Mayo Clinic
Classification: Likely benign. Last evaluated: 2025-05-19. Review status: criteria provided, single submitter. Criteria: ACMG Guidelines, 2015. Collection method: clinical testing. Allele origin: germline. Observed: 1 variant allele.
Comment: BS1, BP4, BP7

Women's Health and Genetics/Laboratory Corporation of America, LabCorp
Classification: Likely benign. Last evaluated: 2025-04-29. Review status: criteria provided, single submitter. Criteria: LabCorp Variant Classification Summary - May 2015. Collection method: clinical testing. Allele origin: germline.

Blueprint Genetics
Classification: Likely benign. Last evaluated: 2024-10-30. Review status: criteria provided, single submitter. Criteria: ACMG Guidelines, 2015. Collection method: clinical testing. Allele origin: germline.

ARUP Laboratories, Molecular Genetics and Genomics, ARUP Laboratories
Classification: Likely benign. Last evaluated: 2017-01-06. Review status: criteria provided, single submitter. Criteria: ARUP Molecular Germline Variant Investigation Process. Collection method: clinical testing. Allele origin: germline.

GeneDx
Classification: Benign. Last evaluated: 2015-10-15. Review status: criteria provided, single submitter. Criteria: GeneDx Variant Classification (06012015). Collection method: clinical testing. Allele origin: germline. Affected: yes.
Comment: This variant is considered likely benign or benign based on one or more of the following criteria: it is a conservative change, it occurs at a poorly conserved position in the protein, it is predicted to be benign by multiple in silico algorithms, and/or has population frequency not consistent with disease.

NM_030777.4(SLC2A10):c.1289-6C>T

Gene: SLC2A10 (solute carrier family 2 member 10; plus strand). Cytogenetic location: 20q13.12.
Variant type: single nucleotide variant.
Coding change: c.1289-6C>T on transcript NM_030777.4 (MANE Select); 6 bases into the intron before coding-DNA position 1289, C replaced by T.
Molecular consequence: intron variant.
Genome position (GRCh38, 1-based): chr20:46,726,858, C>T. VCF-style: chr20-46726858-C-T. GRCh37 (hg19) VCF-style: chr20-45355497-C-T.
Other names: p.?.
Identifiers: ClinVar variation 378600 (VCV000378600.29), dbSNP rs199967429, ClinGen allele CA9892158.